The following is an entry in ClinVar:

ClinVar aggregate classification (germline): Uncertain significance. Review status: criteria provided, multiple submitters, no conflicts (2 of 4 stars). 2 submissions from 2 submitters: Uncertain significance (2). Last evaluated 2022-11-08.

Allele frequency attached by ClinVar (database versions not stated): gnomAD exomes below 0.00001; TOPMed below 0.00001; gnomAD 0.00001.
gnomAD v4.1: 5 of 1,613,968 alleles (0.00031%); highest among the groups gnomAD compares: Non-Finnish European, 0.00042%; no homozygotes.

Submissions (2):

Ambry Genetics
Classification: Uncertain significance. Last evaluated: 2022-11-08. Review status: criteria provided, single submitter. Criteria: Ambry Variant Classification Scheme 2023. Collection method: clinical testing. Allele origin: germline.

Labcorp Genetics (formerly Invitae), Labcorp
Classification: Uncertain significance. Last evaluated: 2022-09-17. Review status: criteria provided, single submitter. Criteria: Invitae Variant Classification Sherloc (09022015). Collection method: clinical testing. Allele origin: germline.
Comment: In summary, the available evidence is currently insufficient to determine the role of this variant in disease. Therefore, it has been classified as a Variant of Uncertain Significance. Algorithms developed to predict the effect of missense changes on protein structure and function are either unavailable or do not agree on the potential impact of this missense change (SIFT: "Deleterious"; PolyPhen-2: "Benign"; Align-GVGD: "Class C0"). ClinVar contains an entry for this variant (Variation ID: 1469444). This variant has not been reported in the literature in individuals affected with VAV1-related conditions. This variant is not present in population databases (gnomAD no frequency). This sequence change replaces proline, which is neutral and non-polar, with threonine, which is neutral and polar, at codon 662 of the VAV1 protein (p.Pro662Thr).

NM_005428.4(VAV1):c.1984C>A (p.Pro662Thr)

Gene: VAV1 (vav guanine nucleotide exchange factor 1; plus strand). Cytogenetic location: 19p13.3.
Variant type: single nucleotide variant.
Coding change: c.1984C>A on transcript NM_005428.4 (MANE Select); coding-DNA position 1984, C replaced by A.
Protein change: p.Pro662Thr; replaces proline 662 with threonine.
Molecular consequence: missense variant.
Genome position (GRCh38, 1-based): chr19:6,843,138, C>A. VCF-style: chr19-6843138-C-A. GRCh37 (hg19) VCF-style: chr19-6843149-C-A.
Other names: c.1918C>A, p.Pro640Thr (NM_001258206.2); c.1888C>A, p.Pro630Thr (NM_001258207.2); c.1984C>A (NM_005428.2); short protein forms P662T, P630T, P640T.
Identifiers: ClinVar variation 1469444 (VCV001469444.9), dbSNP rs1177495695, ClinGen allele CA403634504.